The following is an entry in ClinVar:

ClinVar aggregate classification (germline): Likely pathogenic (1 of 4 stars; one submission).

Conditions:
Spastic paraplegia. Identifiers: MedGen C0037772, HP:0001258.

Allele frequency attached by ClinVar (database versions not stated): TOPMed below 0.00001; gnomAD exomes 0.00001.
gnomAD v4.1: 8 of 1,613,380 alleles (0.0005%); highest among the groups gnomAD compares: Non-Finnish European, 0.00059%; no homozygotes.

Submission:

Labcorp Genetics (formerly Invitae), Labcorp
Classification: Likely pathogenic for Spastic paraplegia. Last evaluated: 2023-07-31. Review status: criteria provided, single submitter. Criteria: Invitae Variant Classification Sherloc (09022015). Collection method: clinical testing. Allele origin: germline.
Comment: Algorithms developed to predict the effect of sequence changes on RNA splicing suggest that this variant may disrupt the consensus splice site. In summary, the currently available evidence indicates that the variant is pathogenic, but additional data are needed to prove that conclusively. Therefore, this variant has been classified as Likely Pathogenic. ClinVar contains an entry for this variant (Variation ID: 1067129). This variant has not been reported in the literature in individuals affected with ZFYVE26-related conditions. This variant is not present in population databases (gnomAD no frequency). This sequence change affects a donor splice site in intron 39 of the ZFYVE26 gene. It is expected to disrupt RNA splicing. Variants that disrupt the donor or acceptor splice site typically lead to a loss of protein function (PMID: 16199547), and loss-of-function variants in ZFYVE26 are known to be pathogenic (PMID: 18394578, 19805727).

Literature cited by the submitters: PubMed 16199547; PubMed 18394578; PubMed 19805727.

NM_015346.4(ZFYVE26):c.7188+1G>T

Gene: ZFYVE26 (zinc finger FYVE-type containing 26; minus strand). Cytogenetic location: 14q24.1.
Variant type: single nucleotide variant.
Coding change: c.7188+1G>T on transcript NM_015346.4 (MANE Select); the canonical splice donor site of the intron after coding-DNA position 7188, G replaced by T.
Molecular consequence: splice donor variant.
Genome position (GRCh38, 1-based): chr14:67,753,706, C>A on the plus strand (G>T on the coding strand, the complement: ZFYVE26 is on the minus strand). VCF-style: chr14-67753706-C-A. GRCh37 (hg19) VCF-style: chr14-68220423-C-A.
Identifiers: ClinVar variation 1067129 (VCV001067129.7), dbSNP rs1555393338, ClinGen allele CA390159248.